The following is an entry in ClinVar:

ClinVar aggregate classification (germline): Benign. Review status: criteria provided, multiple submitters, no conflicts (2 of 4 stars). 3 submissions from 3 submitters: Benign (2). 1 of the submissions does not count toward it. Last evaluated 2021-06-09.

Conditions:
BCO1-related disorder. Also called: BCO1-related condition.

Allele frequency attached by ClinVar (database versions not stated): 1000 Genomes Project 0.01697; 1000 Genomes Project 30x 0.01765; TOPMed 0.03256; ExAC 0.03432; gnomAD exomes 0.03549; ESP Exome Variant Server 0.04030.
gnomAD v4.1: 81,342 of 1,613,826 alleles (5%); highest among the groups gnomAD compares: Non-Finnish European, 6.1%; 2,423 homozygotes.

Submissions (16):

GeneDx
Classification: Benign. Last evaluated: 2021-06-09. Review status: criteria provided, single submitter. Criteria: GeneDx Variant Classification Process June 2021. Collection method: clinical testing. Allele origin: germline. Affected: yes.

Breakthrough Genomics
Classification: Benign. Review status: criteria provided, single submitter. Criteria: ACMG Guidelines, 2015. Collection method: not provided. Allele origin: germline. Inheritance: Autosomal dominant inheritance. Affected: yes.

PreventionGenetics, part of Exact Sciences
Classification: Benign for BCO1-related condition. Last evaluated: 2019-09-18. Review status: no assertion criteria provided. Collection method: clinical testing. Allele origin: germline. Not counted in ClinVar's aggregate classification.
Comment: This variant is classified as benign based on ACMG/AMP sequence variant interpretation guidelines (Richards et al. 2015 PMID: 25741868, with internal and published modifications).

Dr. Peter K. Rogan Lab, Western University
No classification provided (evidence only). Condition: Acute myeloid leukemia. Review status: no classification provided. Collection method: in vitro. Allele origin: not applicable. Functional consequence: retained intron. Not counted in ClinVar's aggregate classification.

Dr. Peter K. Rogan Lab, Western University
No classification provided (evidence only). Condition: Acute myeloid leukemia. Review status: no classification provided. Collection method: in vitro. Allele origin: not applicable. Functional consequence: retained intron. Not counted in ClinVar's aggregate classification.

Dr. Peter K. Rogan Lab, Western University
No classification provided (evidence only). Condition: Acute myeloid leukemia. Review status: no classification provided. Collection method: in vitro. Allele origin: not applicable. Functional consequence: retained intron. Not counted in ClinVar's aggregate classification.

Dr. Peter K. Rogan Lab, Western University
No classification provided (evidence only). Condition: Colon adenocarcinoma. Review status: no classification provided. Collection method: in vitro. Allele origin: not applicable. Functional consequence: retained intron. Not counted in ClinVar's aggregate classification.

Dr. Peter K. Rogan Lab, Western University
No classification provided (evidence only). Condition: Uterine corpus endometrial carcinoma. Review status: no classification provided. Collection method: in vitro. Allele origin: not applicable. Functional consequence: retained intron. Not counted in ClinVar's aggregate classification.

Dr. Peter K. Rogan Lab, Western University
No classification provided (evidence only). Condition: Sarcoma. Review status: no classification provided. Collection method: in vitro. Allele origin: not applicable. Functional consequence: retained intron. Not counted in ClinVar's aggregate classification.

Dr. Peter K. Rogan Lab, Western University
No classification provided (evidence only). Condition: Sarcoma. Review status: no classification provided. Collection method: in vitro. Allele origin: not applicable. Functional consequence: retained intron. Not counted in ClinVar's aggregate classification.

Dr. Peter K. Rogan Lab, Western University
No classification provided (evidence only). Condition: Sarcoma. Review status: no classification provided. Collection method: in vitro. Allele origin: not applicable. Functional consequence: retained intron. Not counted in ClinVar's aggregate classification.

Dr. Peter K. Rogan Lab, Western University
No classification provided (evidence only). Condition: Sarcoma. Review status: no classification provided. Collection method: in vitro. Allele origin: not applicable. Functional consequence: retained intron. Not counted in ClinVar's aggregate classification.

Dr. Peter K. Rogan Lab, Western University
No classification provided (evidence only). Condition: Sarcoma. Review status: no classification provided. Collection method: in vitro. Allele origin: not applicable. Functional consequence: retained intron. Not counted in ClinVar's aggregate classification.

Dr. Peter K. Rogan Lab, Western University
No classification provided (evidence only). Condition: Sarcoma. Review status: no classification provided. Collection method: in vitro. Allele origin: not applicable. Functional consequence: retained intron. Not counted in ClinVar's aggregate classification.

Dr. Peter K. Rogan Lab, Western University
No classification provided (evidence only). Condition: Nonpapillary renal cell carcinoma. Review status: no classification provided. Collection method: in vitro. Allele origin: not applicable. Functional consequence: retained intron. Not counted in ClinVar's aggregate classification.

Dr. Peter K. Rogan Lab, Western University
No classification provided (evidence only). Condition: Nonpapillary renal cell carcinoma. Review status: no classification provided. Collection method: in vitro. Allele origin: not applicable. Functional consequence: retained intron. Not counted in ClinVar's aggregate classification.

NM_017429.3(BCO1):c.363C>A (p.Thr121=)

Gene: BCO1 (beta-carotene oxygenase 1; plus strand). Cytogenetic location: 16q23.2.
Variant type: single nucleotide variant.
Coding change: c.363C>A on transcript NM_017429.3 (MANE Select); coding-DNA position 363, C replaced by A.
Protein change: p.Thr121=; no amino-acid change (threonine 121 retained).
Molecular consequence: synonymous variant.
Genome position (GRCh38, 1-based): chr16:81,262,175, C>A. VCF-style: chr16-81262175-C-A. GRCh37 (hg19) VCF-style: chr16-81295780-C-A.
Other names: NC_000016.9:g.81295780C>A.
Identifiers: ClinVar variation 1230730 (VCV001230730.7), dbSNP rs35683292, ClinGen allele CA8190718.